The following is an entry in ClinVar:

ClinVar aggregate classification (germline): Likely benign. Review status: criteria provided, multiple submitters, no conflicts (2 of 4 stars). 2 submissions from 2 submitters: Likely benign (2). Last evaluated 2024-02-22.

Conditions:
Ornithine carbamoyltransferase deficiency (OTCD). Also called: Ornithine Carbamoyltransferase Deficiency Disease; ORNITHINE TRANSCARBAMYLASE DEFICIENCY; ORNITHINE TRANSCARBAMYLASE DEFICIENCY, HYPERAMMONEMIA DUE TO; OTC DEFICIENCY. Identifiers: Orphanet 664, MedGen C0268542, MONDO:0010703, OMIM 311250.

Allele frequency attached by ClinVar (database versions not stated): gnomAD exomes below 0.00001 and 0.00001; ExAC 0.00001.
gnomAD v4.1: 3 of 1,194,499 alleles (0.00025%); highest among the groups gnomAD compares: Non-Finnish European, 0.00023%; no homozygotes.

Submissions (2):

All of Us Research Program, National Institutes of Health
Classification: Likely benign for Ornithine carbamoyltransferase deficiency. Last evaluated: 2024-02-22. Review status: criteria provided, single submitter. Criteria: ACMG Guidelines, 2015. Collection method: clinical testing. Allele origin: germline. Inheritance: X-linked inheritance. Observed: 1 variant allele, 1 heterozygote.
Comment: This study involves interpretation of variants in research participants for the purpose of population health screening. Participant phenotype was not available at the time of variant classification. Additional details can be found in publication PMID: 35346344, PMCID: PMC8962531

Labcorp Genetics (formerly Invitae), Labcorp
Classification: Likely benign for Ornithine carbamoyltransferase deficiency. Last evaluated: 2020-04-23. Review status: criteria provided, single submitter. Criteria: Invitae Variant Classification Sherloc (09022015). Collection method: clinical testing. Allele origin: germline.

NM_000531.6(OTC):c.283T>C (p.Leu95=)

Gene: OTC (ornithine transcarbamylase; plus strand). Cytogenetic location: Xp11.4.
Variant type: single nucleotide variant.
Coding change: c.283T>C on transcript NM_000531.6 (MANE Select); coding-DNA position 283, T replaced by C.
Protein change: p.Leu95=; no amino-acid change (leucine 95 retained).
Molecular consequence: synonymous variant.
Genome position (GRCh38, 1-based): chrX:38,369,862, T>C. VCF-style: chrX-38369862-T-C. GRCh37 (hg19) VCF-style: chrX-38229115-T-C.
Identifiers: ClinVar variation 1129030 (VCV001129030.10), dbSNP rs771474981, ClinGen allele CA10385817.